The following is an entry in ClinVar:

ClinVar aggregate classification (germline): Likely pathogenic (1 of 4 stars; one submission).

Conditions:
Autosomal recessive polycystic kidney disease (ARPKD). Also called: AR polycystic kidney disease. Identifiers: Orphanet 731, Orphanet 8378, MedGen C0085548, MeSH D017044, MONDO:0009889.

Submission:

Natera, Inc.
Classification: Likely pathogenic for Autosomal recessive polycystic kidney disease. Last evaluated: 2024-08-05. Review status: criteria provided, single submitter. Criteria: Natera Variant Classification Schema (03/2026). Collection method: clinical testing. Allele origin: germline.
Comment: The c.9329del variant in PKHD1 is a frameshift variant predicted to shift the reading frame beginning at codon 3110 and leads to a stop codon 52 codons downstream. This variant is expected to result in nonsense mediated decay, truncation, or a dysfunctional protein product. This variant is rare in the general population with a frequency below the threshold expected for the associated phenotype(s). Given the available evidence, this variant is classified as Likely Pathogenic.

NM_138694.4(PKHD1):c.9329del (p.Lys3110fs)

Gene: PKHD1 (PKHD1 ciliary IPT domain containing fibrocystin/polyductin; minus strand). Cytogenetic location: 6p12.3.
Variant type: Deletion.
Coding change: c.9329del on transcript NM_138694.4 (MANE Select); coding-DNA position 9329, one base deleted (A; older notation c.9329delA).
Protein change: p.Lys3110fs; shifts the reading frame from lysine 3110.
Molecular consequence: frameshift variant.
Genome position (GRCh38, 1-based): chr6:51,748,287, T deleted on the plus strand (A on the coding strand, the reverse complement: PKHD1 is on the minus strand); the first of 2 consecutive T bases (chr6:51,748,287-51,748,288); deleting either gives the same sequence. VCF-style (leftmost placement, unchanged base first): chr6-51748286-CT-C. GRCh37 (hg19) VCF-style: chr6-51613084-CT-C.
Other names: c.9329del, p.Lys3110fs (NM_170724.3); short protein forms K3110fs.
Identifiers: ClinVar variation 4816796 (VCV004816796.1).